The following is an entry in ClinVar:

ClinVar aggregate classification (germline): Uncertain significance (1 of 4 stars; one submission).

gnomAD v4.1: 3 of 1,614,104 alleles (0.00019%); highest among the groups gnomAD compares: South Asian, 0.0011%; no homozygotes.

Submission:

Labcorp Genetics (formerly Invitae), Labcorp
Classification: Uncertain significance. Last evaluated: 2025-07-01. Review status: criteria provided, single submitter. Criteria: Invitae Variant Classification Sherloc (09022015). Collection method: clinical testing. Allele origin: germline.
Comment: This sequence change replaces isoleucine, which is neutral and non-polar, with threonine, which is neutral and polar, at codon 506 of the EFL1 protein (p.Ile506Thr). This variant is not present in population databases (gnomAD no frequency). This variant has not been reported in the literature in individuals affected with EFL1-related conditions. Invitae Evidence Modeling of protein sequence and biophysical properties (such as structural, functional, and spatial information, amino acid conservation, physicochemical variation, residue mobility, and thermodynamic stability) indicates that this missense variant is expected to disrupt EFL1 protein function with a positive predictive value of 80%. In summary, the available evidence is currently insufficient to determine the role of this variant in disease. Therefore, it has been classified as a Variant of Uncertain Significance.

NM_024580.6(EFL1):c.1517T>C (p.Ile506Thr)

Gene: EFL1 (elongation factor like GTPase 1; minus strand). Cytogenetic location: 15q25.2.
Variant type: single nucleotide variant.
Coding change: c.1517T>C on transcript NM_024580.6 (MANE Select); coding-DNA position 1517, T replaced by C.
Protein change: p.Ile506Thr; replaces isoleucine 506 with threonine.
Molecular consequence: missense variant. On other transcripts: non-coding transcript variant (1).
Genome position (GRCh38, 1-based): chr15:82,219,746, A>G on the plus strand (T>C on the coding strand, the complement: EFL1 is on the minus strand). VCF-style: chr15-82219746-A-G. GRCh37 (hg19) VCF-style: chr15-82512087-A-G.
Other names: c.1364T>C, p.Ile455Thr (NM_001040610.3); c.728T>C, p.Ile243Thr (NM_001322844.2); c.1517T>C, p.Ile506Thr (NM_001322845.2); short protein forms I243T, I455T, I506T.
Identifiers: ClinVar variation 4744995 (VCV004744995.1).